The following is an entry in ClinVar:

NM_002016.2(FLG):c.10287G>T (p.Glu3429Asp)

Genes: CCDST (cervical cancer associated DHX9 suppressive transcript; plus strand), FLG (filaggrin; minus strand). Cytogenetic location: 1q21.3.
Variant type: single nucleotide variant.
Coding change: c.10287G>T on transcript NM_002016.2 (MANE Select); coding-DNA position 10287, G replaced by T.
Protein change: p.Glu3429Asp; replaces glutamic acid 3429 with aspartic acid.
Molecular consequence: missense variant.
Genome position (GRCh38, 1-based): chr1:152,304,599, C>A on the plus strand (G>T on the coding strand, the complement: FLG is on the minus strand). VCF-style: chr1-152304599-C-A. GRCh37 (hg19) VCF-style: chr1-152277075-C-A.
Other names: short protein forms E3429D.
Identifiers: ClinVar variation 2574753 (VCV002574753.1), dbSNP rs775463187, ClinGen allele CA342071206.
Genomic context (GRCh38, chr1:152,304,599, plus strand): 5'-GTGGGATCCCTGCCTTCCTCTTCTGCTTGACCCCGGGTGTCCACGAATGGTGTCCTGACC[C>A]TCTTGGGACGCTGAGTGCCTGGAGCTGTCTCGTGCCTGCTCGTGGTGGGATCCTTGTCTT-3'
Protein context (NP_002007.1, residues 3419-3439): RDSSRHSASQ[Glu3429Asp]GQDTIRGHPG

ClinVar aggregate classification (germline): Uncertain significance (1 of 4 stars; one submission).

gnomAD v4.1: 2 of 1,610,044 alleles (0.00012%); highest among the groups gnomAD compares: Non-Finnish European, 0.00017%; no homozygotes.

Submission:

GeneDx
Classification: Uncertain significance. Last evaluated: 2023-02-07. Review status: criteria provided, single submitter. Criteria: GeneDx Variant Classification Process June 2021. Collection method: clinical testing. Allele origin: germline. Affected: yes.
Comment: Not observed at significant frequency in large population cohorts (gnomAD); In silico analysis supports that this missense variant does not alter protein structure/function; Has not been previously published as pathogenic or benign to our knowledge